The following is an entry in ClinVar:

NM_002471.4(MYH6):c.300G>A (p.Ala100=)

Genes: MYH6 (myosin heavy chain 6; minus strand), LOC114827851 (VISTA enhancer hs2155; plus strand). Cytogenetic location: 14q11.2.
Variant type: single nucleotide variant.
Coding change: c.300G>A on transcript NM_002471.4 (MANE Select); coding-DNA position 300, G replaced by A.
Protein change: p.Ala100=; no amino-acid change (alanine 100 retained).
Molecular consequence: synonymous variant.
Genome position (GRCh38, 1-based): chr14:23,405,672, C>T on the plus strand (G>A on the coding strand, the complement: MYH6 is on the minus strand). VCF-style: chr14-23405672-C-T. GRCh37 (hg19) VCF-style: chr14-23874881-C-T.
Identifiers: ClinVar variation 1038818 (VCV001038818.35), dbSNP rs200520512, ClinGen allele CA7116212.
Genomic context (GRCh38, chr14:23,405,672, plus strand): 5'-GCAGGAGCCACTCACATATATCATCCAGGCCGCGTAGCGCTCCTTGAGGTTGAAAAGCAC[C>T]GCGGGCTCGTGCAGGAAGGTCAGCATGGCCATGTCCTCAATCTTGTCGAACTTGGGTGGG-3'
Protein context (NP_002462.2, residues 90-110): MAMLTFLHEP[Ala100=]VLFNLKERYA

ClinVar aggregate classification (germline): Likely benign. Review status: criteria provided, multiple submitters, no conflicts (2 of 4 stars). 3 submissions from 3 submitters: Likely benign (3). Last evaluated 2024-04-29.

Conditions:
Cardiovascular phenotype. Identifiers: MedGen CN230736.
Hypertrophic cardiomyopathy 14. Identifiers: MedGen C2750467, MONDO:0013197, OMIM 613251.

Allele frequency attached by ClinVar (database versions not stated): ExAC 0.00004; TOPMed 0.00006; ESP Exome Variant Server 0.00008.
gnomAD v4.1: 33 of 1,614,062 alleles (0.002%); highest among the groups gnomAD compares: South Asian, 0.0044%; no homozygotes.

Submissions (3):

Labcorp Genetics (formerly Invitae), Labcorp
Classification: Likely benign for Hypertrophic cardiomyopathy 14. Last evaluated: 2024-04-29. Review status: criteria provided, single submitter. Criteria: Invitae Variant Classification Sherloc (09022015). Collection method: clinical testing. Allele origin: germline.

CeGaT Center for Human Genetics Tuebingen
Classification: Likely benign. Last evaluated: 2023-04-01. Review status: criteria provided, single submitter. Criteria: CeGaT Center For Human Genetics Tuebingen Variant Classification Criteria Version 2. Collection method: clinical testing. Allele origin: germline. Affected: yes. Observed: 1 variant allele.
Comment: MYH6: BP4, BP7

Ambry Genetics
Classification: Likely benign for Cardiovascular phenotype. Last evaluated: 2022-06-09. Review status: criteria provided, single submitter. Criteria: Ambry Variant Classification Scheme 2023. Collection method: clinical testing. Allele origin: germline.